The following is an entry in ClinVar:

NM_004766.3(COPB2):c.228+4A>G

Gene: COPB2 (coat protein complex I subunit beta 2; minus strand). Cytogenetic location: 3q23.
Variant type: single nucleotide variant.
Coding change: c.228+4A>G on transcript NM_004766.3 (MANE Select); 4 bases into the intron after coding-DNA position 228, A replaced by G.
Molecular consequence: intron variant.
Genome position (GRCh38, 1-based): chr3:139,379,376, T>C on the plus strand (A>G on the coding strand, the complement: COPB2 is on the minus strand). VCF-style: chr3-139379376-T-C. GRCh37 (hg19) VCF-style: chr3-139098218-T-C.
Identifiers: ClinVar variation 1998795 (VCV001998795.4), dbSNP rs1459984419, ClinGen allele CA546892821.

ClinVar aggregate classification (germline): Uncertain significance (1 of 4 stars; one submission).

Allele frequency attached by ClinVar (database versions not stated): gnomAD exomes below 0.00001; gnomAD 0.00001.
gnomAD v4.1: 2 of 1,613,152 alleles (0.00012%); highest among the groups gnomAD compares: Admixed American, 0.0017%; no homozygotes.

Submission:

Labcorp Genetics (formerly Invitae), Labcorp
Classification: Uncertain significance. Last evaluated: 2022-08-06. Review status: criteria provided, single submitter. Criteria: Invitae Variant Classification Sherloc (09022015). Collection method: clinical testing. Allele origin: germline.
Comment: This sequence change falls in intron 3 of the COPB2 gene. It does not directly change the encoded amino acid sequence of the COPB2 protein. It affects a nucleotide within the consensus splice site. This variant is present in population databases (no rsID available, gnomAD 0.003%). In summary, the available evidence is currently insufficient to determine the role of this variant in disease. Therefore, it has been classified as a Variant of Uncertain Significance. Variants that disrupt the consensus splice site are a relatively common cause of aberrant splicing (PMID: 17576681, 9536098). Algorithms developed to predict the effect of sequence changes on RNA splicing suggest that this variant may create or strengthen a splice site. This variant has not been reported in the literature in individuals affected with COPB2-related conditions.

Literature cited by the submitters: PubMed 17576681; PubMed 9536098.